The following is an entry in ClinVar:

NM_014000.3(VCL):c.789T>C (p.Thr263=)

Gene: VCL (vinculin; plus strand). Cytogenetic location: 10q22.2.
Variant type: single nucleotide variant.
Coding change: c.789T>C on transcript NM_014000.3 (MANE Select); coding-DNA position 789, T replaced by C.
Protein change: p.Thr263=; no amino-acid change (threonine 263 retained).
Molecular consequence: synonymous variant.
Genome position (GRCh38, 1-based): chr10:74,082,459, T>C. VCF-style: chr10-74082459-T-C. GRCh37 (hg19) VCF-style: chr10-75842217-T-C.
Other names: c.789T>C, p.Thr263= (NM_003373.4).
Identifiers: ClinVar variation 300784 (VCV000300784.19), dbSNP rs538002543, ClinGen allele CA5562863.

ClinVar aggregate classification (germline): Conflicting classifications of pathogenicity. Review status: criteria provided, conflicting classifications (1 of 4 stars). 5 submissions from 5 submitters: Uncertain significance (1); Likely benign (3). 1 of the submissions does not count toward it. Last evaluated 2026-01-28.

Conditions:
VCL-related disorder. Also called: VCL-related condition.
Dilated cardiomyopathy 1W (CMD1W). Identifiers: Orphanet 154, MedGen C1969639, MONDO:0012667, OMIM 611407.
Cardiovascular phenotype. Identifiers: MedGen CN230736.

Allele frequency attached by ClinVar (database versions not stated): gnomAD below 0.00001 and 0.00004; gnomAD exomes 0.00002 and 0.00005; ExAC 0.00007; 1000 Genomes Project 0.00020; 1000 Genomes Project 30x 0.00031.
gnomAD v4.1: 36 of 1,614,184 alleles (0.0022%); highest among the groups gnomAD compares: South Asian, 0.035%; 1 homozygote.

Submissions (5):

Labcorp Genetics (formerly Invitae), Labcorp
Classification: Likely benign for Dilated cardiomyopathy 1W. Last evaluated: 2026-01-28. Review status: criteria provided, single submitter. Criteria: Invitae Variant Classification Sherloc (09022015). Collection method: clinical testing. Allele origin: germline.

Illumina Laboratory Services, Illumina
Classification: Uncertain significance for Dilated cardiomyopathy 1W. Last evaluated: 2018-01-12. Review status: criteria provided, single submitter. Criteria: ICSL Variant Classification Criteria 13 December 2019. Collection method: clinical testing. Allele origin: germline.

GeneDx
Classification: Likely benign. Last evaluated: 2017-01-25. Review status: criteria provided, single submitter. Criteria: GeneDx Variant Classification (06012015). Collection method: clinical testing. Allele origin: germline. Affected: yes.
Comment: This variant is considered likely benign or benign based on one or more of the following criteria: it is a conservative change, it occurs at a poorly conserved position in the protein, it is predicted to be benign by multiple in silico algorithms, and/or has population frequency not consistent with disease.

Ambry Genetics
Classification: Likely benign for Cardiovascular phenotype. Last evaluated: 2016-09-02. Review status: criteria provided, single submitter. Criteria: Ambry Variant Classification Scheme 2023. Collection method: clinical testing. Allele origin: germline.

PreventionGenetics, part of Exact Sciences
Classification: Likely benign for VCL-related condition. Last evaluated: 2019-04-09. Review status: no assertion criteria provided. Collection method: clinical testing. Allele origin: germline. Not counted in ClinVar's aggregate classification.
Comment: This variant is classified as likely benign based on ACMG/AMP sequence variant interpretation guidelines (Richards et al. 2015 PMID: 25741868, with internal and published modifications).